The following is an entry in ClinVar:

NM_025009.5(CEP135):c.3129_3132del (p.Lys1043fs)

Gene: CEP135 (centrosomal protein 135; plus strand). Cytogenetic location: 4q12.
Variant type: Deletion.
Coding change: c.3129_3132del on transcript NM_025009.5 (MANE Select); coding-DNA positions 3129 to 3132, 4 bases deleted (AGAA; older notation c.3129_3132delAGAA).
Protein change: p.Lys1043fs; shifts the reading frame from lysine 1043.
Molecular consequence: frameshift variant.
Genome position (GRCh38, 1-based): chr4:56,019,469-56,019,472, AGAA deleted; deleting any 4 consecutive bases within chr4:56,019,467-56,019,472 gives the same sequence; the c. name uses the placement nearest the transcript's 3' end. VCF-style (leftmost placement, unchanged base first): chr4-56019466-TAAAG-T. GRCh37 (hg19) VCF-style: chr4-56885632-TAAAG-T.
Other names: short protein forms K1043fs.
Identifiers: ClinVar variation 1705518 (VCV001705518.2), dbSNP rs2475390980, ClinGen allele CA2580071206.

ClinVar aggregate classification (germline): Pathogenic/Likely pathogenic. Review status: criteria provided, multiple submitters, no conflicts (2 of 4 stars). 2 submissions from 2 submitters: Pathogenic (1); Likely pathogenic (1). Last evaluated 2022-09-01.

Conditions:
Microcephaly 8, primary, autosomal recessive. Identifiers: Orphanet 2512, MedGen C3553414, MONDO:0013849, OMIM 614673.

Submissions (2):

3billion
Classification: Likely pathogenic for Microcephaly 8, primary, autosomal recessive. Last evaluated: 2022-09-01. Review status: criteria provided, single submitter. Criteria: ACMG Guidelines, 2015. Collection method: clinical testing. Allele origin: germline. Affected: yes. Observed: 1 homozygote.
Comment: The variant is not observed in the gnomAD v2.1.1 dataset. Frameshift variant is predicted to result in a loss or disruption of normal protein function through nonsense-mediated decay (NMD) or protein truncation. Multiple pathogenic variants are reported downstream of the variant. Therefore, this variant is classified as Likely pathogenic according to the recommendation of ACMG/AMP guideline.

Department of Pediatric Genetics, Istanbul University - Cerrahpasa
Classification: Pathogenic for Microcephaly 8, primary, autosomal recessive. Review status: criteria provided, single submitter. Criteria: ACMG Guidelines, 2015. Collection method: clinical testing. Allele origin: germline. Affected: yes.